The following is an entry in ClinVar:

NM_004991.4(MECOM):c.1459T>G (p.Phe487Val)

Gene: MECOM (MDS1 and EVI1 complex locus; minus strand). Cytogenetic location: 3q26.2.
Variant type: single nucleotide variant.
Coding change: c.1459T>G on transcript NM_004991.4 (MANE Select); coding-DNA position 1459, T replaced by G.
Protein change: p.Phe487Val; replaces phenylalanine 487 with valine.
Molecular consequence: missense variant. On other transcripts: intron variant (2).
Genome position (GRCh38, 1-based): chr3:169,116,413, A>C on the plus strand (T>G on the coding strand, the complement: MECOM is on the minus strand). VCF-style: chr3-169116413-A-C. GRCh37 (hg19) VCF-style: chr3-168834201-A-C.
Other names: c.1090T>G, p.Phe364Val (NM_001105077.4); c.895T>G, p.Phe299Val (NM_001105078.4, NM_001164000.2, NM_001205194.2 and 4 more transcripts); c.898T>G, p.Phe300Val (NM_001163999.2, NM_001366467.2, NM_001366468.2 and 1 more transcripts); c.1459T>G, p.Phe487Val (NM_001366466.2); c.1133-646T>G (NM_001366473.2); c.569-646T>G (NM_001366474.2); short protein forms F364V, F299V, F300V, F487V.
Identifiers: ClinVar variation 4105872 (VCV004105872.1).
Genomic context (GRCh38, chr3:169,116,413, plus strand): 5'-GTATCAAAGGAGGCCTGTGGTACAAGCCGGAAGGAAACAGACCAGGGAAGCTAAAAGAAA[A>C]TCCAGGAGCTGTTGGAAAGGTAAGACCAGCAGGATGCCTATTGGCGCCAAAATAGTCAGC-3'
Protein context (NP_004982.2, residues 477-497): AGLTFPTAPG[Phe487Val]SFSFPGLFPS

ClinVar aggregate classification (germline): Uncertain significance (1 of 4 stars; one submission).

Conditions:
Inborn genetic diseases. Identifiers: MedGen C0950123, MeSH D030342.

gnomAD v4.1: 1 of 1,614,174 alleles (0.000062%); highest among the groups gnomAD compares: Non-Finnish European, 0.000085%; no homozygotes.

Submission:

Ambry Genetics
Classification: Uncertain significance for Inborn genetic diseases. Last evaluated: 2025-08-23. Review status: criteria provided, single submitter. Criteria: Ambry Variant Classification Scheme 2023. Collection method: clinical testing. Allele origin: germline.
Comment: The p.F487V variant (also known as c.1459T>G), located in coding exon 8 of the MECOM gene, results from a T to G substitution at nucleotide position 1459. The phenylalanine at codon 487 is replaced by valine, an amino acid with highly similar properties. This amino acid position is conserved. In addition, this alteration is predicted to be tolerated by in silico analysis. Based on the available evidence, the clinical significance of this variant remains unclear.